The following is an entry in ClinVar:

ClinVar aggregate classification (germline): Uncertain significance (1 of 4 stars; one submission).

Allele frequency attached by ClinVar (database versions not stated): TOPMed below 0.00001.

Submission:

Mayo Clinic Laboratories, Mayo Clinic
Classification: Uncertain significance. Last evaluated: 2023-05-24. Review status: criteria provided, single submitter. Criteria: ACMG Guidelines, 2015. Collection method: clinical testing. Allele origin: germline. Observed: 1 variant allele.
Comment: PM2_supporting

NM_173689.7(CRB2):c.1654G>T (p.Ala552Ser)

Gene: CRB2 (crumbs cell polarity complex component 2; plus strand). Cytogenetic location: 9q33.3.
Variant type: single nucleotide variant.
Coding change: c.1654G>T on transcript NM_173689.7 (MANE Select); coding-DNA position 1654, G replaced by T.
Protein change: p.Ala552Ser; replaces alanine 552 with serine.
Molecular consequence: missense variant. On other transcripts: non-coding transcript variant (1).
Genome position (GRCh38, 1-based): chr9:123,370,707, G>T. VCF-style: chr9-123370707-G-T. GRCh37 (hg19) VCF-style: chr9-126132986-G-T.
Other names: p.Ala552Ser; short protein forms A552S.
Identifiers: ClinVar variation 2683065 (VCV002683065.1), dbSNP rs1588213967, ClinGen allele CA374863516.
Genomic context (GRCh38, chr9:123,370,707, plus strand): 5'-GAGCTACGGCTCTGGCATGAGGGCTGCCCTGCCCGGCTCTGTGTGGCCTCTGGTCCTGTG[G>T]CCCTGGCTTCCACGGCTTCGGCAACTCCGCTGCCTGCCGGGATCTCCTCTGCCCAGCTGG-3'
Protein context (NP_775960.4, residues 542-562): ARLCVASGPV[Ala552Ser]LASTASATPL